The following is an entry in ClinVar:

NM_001177701.3(IFT27):c.370A>G (p.Lys124Glu)

Genes: CACNG2-DT (CACNG2 divergent transcript; plus strand), IFT27 (intraflagellar transport 27; minus strand). Cytogenetic location: 22q12.3.
Variant type: single nucleotide variant.
Coding change: c.370A>G on transcript NM_001177701.3 (MANE Select); coding-DNA position 370, A replaced by G.
Protein change: p.Lys124Glu; replaces lysine 124 with glutamic acid.
Molecular consequence: missense variant.
Genome position (GRCh38, 1-based): chr22:36,762,996, T>C on the plus strand (A>G on the coding strand, the complement: IFT27 is on the minus strand). VCF-style: chr22-36762996-T-C. GRCh37 (hg19) VCF-style: chr22-37159040-T-C.
Other names: c.370A>G, p.Lys124Glu (NM_001363003.2); c.367A>G, p.Lys123Glu (NM_006860.5); short protein forms K123E, K124E.
Identifiers: ClinVar variation 4082448 (VCV004082448.2).
Genomic context (GRCh38, chr22:36,762,996, plus strand): 5'-CCAGCGCCCATGCCCGGGCCTCAGCTGAGTCCACTGCTCGTCTGCCGGCCAGGTCTGTCT[T>C]GTTCCCAACTAAAACACCTACTCAGAAGAAACAACCAAAATATGGCACTTCACTGTCACA-3'
Protein context (NP_001171172.1, residues 114-134): ISLPGVLVGN[Lys124Glu]TDLAGRRAVD

ClinVar aggregate classification (germline): Uncertain significance (1 of 4 stars; one submission).

Submission:

Genetic Services Laboratory, University of Chicago
Classification: Uncertain significance. Last evaluated: 2023-02-14. Review status: criteria provided, single submitter. Criteria: ACMG Guidelines, 2015. Collection method: clinical testing. Allele origin: germline. Affected: no.
Comment: DNA sequence analysis of the IFT27 gene demonstrated a sequence change, c.367A>G, in exon 6 that results in an amino acid change, p.Lys123Glu. This sequence change does not appear to have been previously described in individuals with IFT27-related disorders and has also not been described in population databases such as ExAC and gnomAD. The p.Lys123Glu change affects a highly conserved amino acid residue located in a domain of the IFT27 protein that is known to be functional. The p.Lys123Glu substitution appears to be deleterious using several in-silico pathogenicity prediction tools (SIFT, PolyPhen2, Align GVGD, REVEL). Due to insufficient evidence and the lack of functional studies, the clinical significance of the p.Lys123Glu change remains unknown at this time.